The following is an entry in ClinVar:

ClinVar aggregate classification (germline): Likely benign. Review status: criteria provided, single submitter (1 of 4 stars). 2 submissions from 1 submitter: Likely benign (1). 1 of the submissions does not count toward it. Last evaluated 2018-09-26.

Submissions (2):

GeneDx
Classification: Likely benign. Last evaluated: 2018-09-26. Review status: criteria provided, single submitter. Criteria: GeneDx Variant Classification Process June 2021. Collection method: clinical testing. Allele origin: germline. Affected: yes.

GeneDx
Classification: Likely benign. Last evaluated: 2017-06-29. Review status: flagged submission. Criteria: GeneDx Variant Classification (06012015). Collection method: clinical testing. Allele origin: germline. Affected: yes. Not counted in ClinVar's aggregate classification.
Comment: This variant is considered likely benign or benign based on one or more of the following criteria: it is a conservative change, it occurs at a poorly conserved position in the protein, it is predicted to be benign by multiple in silico algorithms, and/or has population frequency not consistent with disease.
ClinVar note: Reason: This record appears to be redundant with a more recent record from the same submitter.
ClinVar note: Notes: SCV000570167 appears to be redundant with SCV001789468.

NM_004522.3(KIF5C):c.-36_-19del

Gene: KIF5C (kinesin family member 5C; plus strand). Cytogenetic location: 2q23.1.
Variant type: Deletion.
Coding change: c.-36_-19del on transcript NM_004522.3 (MANE Select); 36 bases upstream of the start codon through 19 bases upstream of the start codon, 18 bases deleted (ACCCATCCCCGTGCCCCC).
Molecular consequence: 5 prime UTR variant.
Genome position (GRCh38, 1-based): chr2:148,875,582-148,875,599, ACCCATCCCCGTGCCCCC deleted; deleting any 18 consecutive bases within chr2:148,875,577-148,875,599 gives the same sequence; the c. name uses the placement nearest the transcript's 3' end. VCF-style (leftmost placement, unchanged base first): chr2-148875576-CCCCCCACCCATCCCCGTG-C. GRCh37 (hg19) VCF-style: chr2-149633145-CCCCCCACCCATCCCCGTG-C.
Other names: c.-36_-19delACCCATCCCCGTGCCCCC (NM_004522.2).
Identifiers: ClinVar variation 421075 (VCV000421075.4), dbSNP rs534820275, ClinGen allele CA1901122.